The following is an entry in ClinVar:

ClinVar aggregate classification (germline): Uncertain significance. Review status: criteria provided, multiple submitters, no conflicts (2 of 4 stars). 3 submissions from 3 submitters: Uncertain significance (3). Last evaluated 2024-05-15.

Conditions:
Fanconi anemia complementation group J. Also called: BRIP1-Related Fanconi Anemia. Identifiers: Orphanet 84, MedGen C1836860, MONDO:0012187, OMIM 609054.
Familial cancer of breast. Also called: BREAST CANCER, FAMILIAL; Hereditary breast cancer; hereditary breast carcinoma. Identifiers: Orphanet 227535, MedGen C0346153, MONDO:0016419, OMIM 114480. Disease mechanism: loss of function.
Hereditary cancer-predisposing syndrome. Also called: Hereditary neoplastic syndrome; Neoplastic Syndromes, Hereditary; Tumor predisposition; Hereditary Cancer Syndrome. Identifiers: Orphanet 140162, MedGen C0027672, MeSH D009386, MONDO:0015356.

Submissions (3):

KCCC/NGS Laboratory, Kuwait Cancer Control Center
Classification: Uncertain significance for Familial cancer of breast. Last evaluated: 2024-05-15. Review status: criteria provided, single submitter. Criteria: ACMG Guidelines, 2015. Collection method: clinical testing. Allele origin: germline. Inheritance: Autosomal dominant inheritance. Affected: yes. Observed: 1 heterozygote.
Comment: This sequence change replaces serine with phenylalanine at codon 2 of the BRIP1 protein (p.Ser2Phe). The serine residue is moderately conserved and there is a large physicochemical difference between serine and phenylalanine. This amino acid position is well conserved (PhyloP=7.91) . This variant is not present in population databases (gnomAD). This variant has not been reported in the literature in individuals affected with BRIP1-related conditions. ClinVar contains an entry for this variant (Variation ID: 483179).In addition, the in silico prediction for this alteration is inconclusive. In summary, the available evidence is currently insufficient to determine the role of this variant in disease. Therefore, it has been classified as a Variant of Uncertain Significance.

Ambry Genetics
Classification: Uncertain significance for Hereditary cancer-predisposing syndrome. Last evaluated: 2022-11-24. Review status: criteria provided, single submitter. Criteria: Ambry Variant Classification Scheme 2023. Collection method: clinical testing. Allele origin: germline.
Comment: The p.S2F variant (also known as c.5C>T), located in coding exon 1 of the BRIP1 gene, results from a C to T substitution at nucleotide position 5. The serine at codon 2 is replaced by phenylalanine, an amino acid with highly dissimilar properties. This variant was not reported in population based cohorts in the following databases: Database of Single Nucleotide Polymorphisms (dbSNP), NHLBI Exome Sequencing Project (ESP), and 1000 Genomes Project. In the ESP, this variant was not observed in 6503 samples (13006 alleles) with coverage at this position. To date, this alteration has been detected with an allele frequency of approximately 0.001% (greater than 175000 alleles tested) in our clinical cohort. This amino acid position is well conserved in available vertebrate species. In addition, the in silico prediction for this alteration is inconclusive. Since supporting evidence is limited at this time, the clinical significance of this alteration remains unclear.

Labcorp Genetics (formerly Invitae), Labcorp
Classification: Uncertain significance for Familial cancer of breast; Fanconi anemia complementation group J. Last evaluated: 2021-08-26. Review status: criteria provided, single submitter. Criteria: Invitae Variant Classification Sherloc (09022015). Collection method: clinical testing. Allele origin: germline.
Comment: This sequence change replaces serine with phenylalanine at codon 2 of the BRIP1 protein (p.Ser2Phe). The serine residue is moderately conserved and there is a large physicochemical difference between serine and phenylalanine. This variant is not present in population databases (ExAC no frequency). This variant has not been reported in the literature in individuals affected with BRIP1-related conditions. ClinVar contains an entry for this variant (Variation ID: 483179). Algorithms developed to predict the effect of missense changes on protein structure and function are either unavailable or do not agree on the potential impact of this missense change (SIFT: "Deleterious"; PolyPhen-2: "Probably Damaging"; Align-GVGD: "Class C15"). In summary, the available evidence is currently insufficient to determine the role of this variant in disease. Therefore, it has been classified as a Variant of Uncertain Significance.

NM_032043.3(BRIP1):c.5C>T (p.Ser2Phe)

Gene: BRIP1 (BRCA1 interacting DNA helicase 1; minus strand). Cytogenetic location: 17q23.2.
Variant type: single nucleotide variant.
Coding change: c.5C>T on transcript NM_032043.3 (MANE Select); coding-DNA position 5, C replaced by T.
Protein change: p.Ser2Phe; replaces serine 2 with phenylalanine.
Molecular consequence: missense variant.
Genome position (GRCh38, 1-based): chr17:61,861,535, G>A on the plus strand (C>T on the coding strand, the complement: BRIP1 is on the minus strand). VCF-style: chr17-61861535-G-A. GRCh37 (hg19) VCF-style: chr17-59938896-G-A.
Other names: short protein forms S2F.
Identifiers: ClinVar variation 483179 (VCV000483179.14), dbSNP rs751194347, ClinGen allele CA292281864.